The following is an entry in ClinVar:

NM_000275.3(OCA2):c.422G>A (p.Ser141Asn)

Gene: OCA2 (OCA2 melanosomal transmembrane protein; minus strand). Cytogenetic location: 15q13.1.
Variant type: single nucleotide variant.
Coding change: c.422G>A on transcript NM_000275.3 (MANE Select); coding-DNA position 422, G replaced by A.
Protein change: p.Ser141Asn; replaces serine 141 with asparagine.
Molecular consequence: missense variant.
Genome position (GRCh38, 1-based): chr15:28,027,964, C>T on the plus strand (G>A on the coding strand, the complement: OCA2 is on the minus strand). VCF-style: chr15-28027964-C-T. GRCh37 (hg19) VCF-style: chr15-28273110-C-T.
Other names: c.422G>A, p.Ser141Asn (NM_001300984.2); short protein forms S141N.
Identifiers: ClinVar variation 3711706 (VCV003711706.2).

ClinVar aggregate classification (germline): Uncertain significance (1 of 4 stars; one submission).

Submission:

Labcorp Genetics (formerly Invitae), Labcorp
Classification: Uncertain significance. Last evaluated: 2024-06-02. Review status: criteria provided, single submitter. Criteria: Invitae Variant Classification Sherloc (09022015). Collection method: clinical testing. Allele origin: germline.
Comment: This sequence change replaces serine, which is neutral and polar, with asparagine, which is neutral and polar, at codon 141 of the OCA2 protein (p.Ser141Asn). The frequency data for this variant in the population databases is considered unreliable, as metrics indicate poor data quality at this position in the gnomAD database. This variant has not been reported in the literature in individuals affected with OCA2-related conditions. Advanced modeling of protein sequence and biophysical properties (such as structural, functional, and spatial information, amino acid conservation, physicochemical variation, residue mobility, and thermodynamic stability) performed at Invitae indicates that this missense variant is not expected to disrupt OCA2 protein function with a negative predictive value of 95%. In summary, the available evidence is currently insufficient to determine the role of this variant in disease. Therefore, it has been classified as a Variant of Uncertain Significance.